The following is an entry in ClinVar:

ClinVar aggregate classification (germline): Uncertain significance (1 of 4 stars; one submission).

Allele frequency attached by ClinVar (database versions not stated): TOPMed 0.00004; gnomAD 0.00007; gnomAD exomes below 0.00001.
gnomAD v4.1: 14 of 1,614,088 alleles (0.00087%); highest among the groups gnomAD compares: African/African-American, 0.019%; no homozygotes.

Submission:

Labcorp Genetics (formerly Invitae), Labcorp
Classification: Uncertain significance. Last evaluated: 2025-03-30. Review status: criteria provided, single submitter. Criteria: Invitae Variant Classification Sherloc (09022015). Collection method: clinical testing. Allele origin: germline.
Comment: This sequence change replaces valine, which is neutral and non-polar, with methionine, which is neutral and non-polar, at codon 2569 of the SRCAP protein (p.Val2569Met). This variant is present in population databases (no rsID available, gnomAD 0.007%). This variant has not been reported in the literature in individuals affected with SRCAP-related conditions. ClinVar contains an entry for this variant (Variation ID: 2981412). Invitae Evidence Modeling of protein sequence and biophysical properties (such as structural, functional, and spatial information, amino acid conservation, physicochemical variation, residue mobility, and thermodynamic stability) indicates that this missense variant is not expected to disrupt SRCAP protein function with a negative predictive value of 80%. In summary, the available evidence is currently insufficient to determine the role of this variant in disease. Therefore, it has been classified as a Variant of Uncertain Significance.

NM_006662.3(SRCAP):c.7705G>A (p.Val2569Met)

Gene: SRCAP (Snf2 related CREBBP activator protein; plus strand). Cytogenetic location: 16p11.2.
Variant type: single nucleotide variant.
Coding change: c.7705G>A on transcript NM_006662.3 (MANE Select); coding-DNA position 7705, G replaced by A.
Protein change: p.Val2569Met; replaces valine 2569 with methionine.
Molecular consequence: missense variant.
Genome position (GRCh38, 1-based): chr16:30,737,745, G>A. VCF-style: chr16-30737745-G-A. GRCh37 (hg19) VCF-style: chr16-30749066-G-A.
Other names: short protein forms V2569M.
Identifiers: ClinVar variation 2981412 (VCV002981412.3), dbSNP rs926151986, ClinGen allele CA280524073.
Genomic context (GRCh38, chr16:30,737,745, plus strand): 5'-CCTGAGGCAGAGCTGTGTGCCCAGGCATTGGCATCTCCAGAGTCCCTGGAGCTGGCTTCT[G>A]TGGCCAGTTCAGAAACCTCCTCACTTTCTCTTGTGCCCCCTAAAGATCTGTTGCCAGTTG-3'
Protein context (NP_006653.2, residues 2559-2579): ASPESLELAS[Val2569Met]ASSETSSLSL